The following is an entry in ClinVar:

NM_001289808.2(CRYAB):c.22C>T (p.Pro8Ser)

Gene: CRYAB (crystallin alpha B; minus strand). Cytogenetic location: 11q23.1.
Variant type: single nucleotide variant.
Coding change: c.22C>T on transcript NM_001289808.2 (MANE Select); coding-DNA position 22, C replaced by T.
Protein change: p.Pro8Ser; replaces proline 8 with serine.
Molecular consequence: missense variant.
Genome position (GRCh38, 1-based): chr11:111,911,703, G>A on the plus strand (C>T on the coding strand, the complement: CRYAB is on the minus strand). VCF-style: chr11-111911703-G-A. GRCh37 (hg19) VCF-style: chr11-111782427-G-A.
Other names: c.22C>T, p.Pro8Ser (NM_001289807.1, NM_001368245.1, NM_001885.3); short protein forms P8S.
Identifiers: ClinVar variation 222530 (VCV000222530.3), dbSNP rs782654756, ClinGen allele CA088054.

ClinVar aggregate classification (germline): Uncertain significance. Review status: criteria provided, multiple submitters, no conflicts (2 of 4 stars). 2 submissions from 2 submitters: Uncertain significance (2). Last evaluated 2025-02-12.

Conditions:
Dilated cardiomyopathy 1II (CMD1II). Identifiers: Orphanet 154, MedGen C3554649, MONDO:0014073, OMIM 615184.
Cardiovascular phenotype. Identifiers: MedGen CN230736.

Allele frequency attached by ClinVar (database versions not stated): gnomAD exomes 0.00001; ExAC below 0.00001.
gnomAD v4.1: 3 of 1,591,926 alleles (0.00019%); highest among the groups gnomAD compares: East Asian, 0.0023%; no homozygotes.

Submissions (2):

Labcorp Genetics (formerly Invitae), Labcorp
Classification: Uncertain significance for Dilated cardiomyopathy 1II. Last evaluated: 2025-02-12. Review status: criteria provided, single submitter. Criteria: Invitae Variant Classification Sherloc (09022015). Collection method: clinical testing. Allele origin: germline.
Comment: This sequence change replaces proline, which is neutral and non-polar, with serine, which is neutral and polar, at codon 8 of the CRYAB protein (p.Pro8Ser). This variant is not present in population databases (gnomAD no frequency). This variant has not been reported in the literature in individuals affected with CRYAB-related conditions. ClinVar contains an entry for this variant (Variation ID: 222530). An algorithm developed to predict the effect of missense changes on protein structure and function (PolyPhen-2) suggests that this variant is likely to be disruptive. In summary, the available evidence is currently insufficient to determine the role of this variant in disease. Therefore, it has been classified as a Variant of Uncertain Significance.

Ambry Genetics
Classification: Uncertain significance for Cardiovascular phenotype. Last evaluated: 2024-01-16. Review status: criteria provided, single submitter. Criteria: Ambry Variant Classification Scheme 2023. Collection method: clinical testing. Allele origin: germline.
Comment: The p.P8S variant (also known as c.22C>T), located in coding exon 1 of the CRYAB gene, results from a C to T substitution at nucleotide position 22. The proline at codon 8 is replaced by serine, an amino acid with similar properties. This amino acid position is highly conserved in available vertebrate species. In addition, this alteration is predicted to be deleterious by in silico analysis. Since supporting evidence is limited at this time, the clinical significance of this alteration remains unclear.